The following is an entry in ClinVar:

NM_170707.4(LMNA):c.1158G>A (p.Arg386=)

Gene: LMNA (lamin A/C; plus strand). Cytogenetic location: 1q22.
Variant type: single nucleotide variant.
Coding change: c.1158G>A on transcript NM_170707.4 (MANE Select); coding-DNA position 1158, G replaced by A.
Protein change: p.Arg386=; no amino-acid change (arginine 386 retained).
Molecular consequence: synonymous variant.
Genome position (GRCh38, 1-based): chr1:156,136,214, G>A. VCF-style: chr1-156136214-G-A. GRCh37 (hg19) VCF-style: chr1-156106005-G-A.
Other names: c.822G>A, p.Arg274= (NM_001257374.3); c.915G>A, p.Arg305= (NM_001282624.2); c.1158G>A, p.Arg386= (NM_001282625.2, NM_001282626.2, NM_005572.4 and 1 more transcripts).
Identifiers: ClinVar variation 1440915 (VCV001440915.6), dbSNP rs879253933, ClinGen allele CA421257902.

ClinVar aggregate classification (germline): Uncertain significance (1 of 4 stars; one submission).

Conditions:
Charcot-Marie-Tooth disease type 2. Also called: Charcot-Marie-Tooth type 2. Identifiers: Orphanet 64746, MedGen C0270914, MONDO:0018993.

Allele frequency attached by ClinVar (database versions not stated): gnomAD exomes below 0.00001.
gnomAD v4.1: 2 of 1,612,614 alleles (0.00012%); highest among the groups gnomAD compares: African/African-American, 0.0013%; no homozygotes.

Submission:

Labcorp Genetics (formerly Invitae), Labcorp
Classification: Uncertain significance for Charcot-Marie-Tooth disease type 2. Last evaluated: 2022-06-03. Review status: criteria provided, single submitter. Criteria: Invitae Variant Classification Sherloc (09022015). Collection method: clinical testing. Allele origin: germline.
Comment: In summary, the available evidence is currently insufficient to determine the role of this variant in disease. Therefore, it has been classified as a Variant of Uncertain Significance. Algorithms developed to predict the effect of sequence changes on RNA splicing suggest that this variant is not likely to affect RNA splicing. ClinVar contains an entry for this variant (Variation ID: 1440915). This variant has not been reported in the literature in individuals affected with LMNA-related conditions. This variant is not present in population databases (gnomAD no frequency). This sequence change affects codon 386 of the LMNA mRNA. It is a 'silent' change, meaning that it does not change the encoded amino acid sequence of the LMNA protein. It affects a nucleotide within the consensus splice site.